The following is an entry in ClinVar:

NM_134261.3(RORA):c.652G>A (p.Val218Ile)

Genes: RORA (RAR related orphan receptor A; minus strand), RORA-AS1 (RORA antisense RNA 1; plus strand). Cytogenetic location: 15q22.2.
Variant type: single nucleotide variant.
Coding change: c.652G>A on transcript NM_134261.3 (MANE Select); coding-DNA position 652, G replaced by A.
Protein change: p.Val218Ile; replaces valine 218 with isoleucine.
Molecular consequence: missense variant.
Genome position (GRCh38, 1-based): chr15:60,511,394, C>T on the plus strand (G>A on the coding strand, the complement: RORA is on the minus strand). VCF-style: chr15-60511394-C-T. GRCh37 (hg19) VCF-style: chr15-60803593-C-T.
Other names: c.727G>A, p.Val243Ile (NM_002943.4); c.751G>A, p.Val251Ile (NM_134260.3); c.487G>A, p.Val163Ile (NM_134262.3); short protein forms V243I, V218I, V251I, V163I.
Identifiers: ClinVar variation 3434832 (VCV003434832.5).

ClinVar aggregate classification (germline): Likely benign. Review status: criteria provided, multiple submitters, no conflicts (2 of 4 stars). 2 submissions from 2 submitters: Likely benign (2). Last evaluated 2026-01-01.

Conditions:
Inborn genetic diseases. Identifiers: MedGen C0950123, MeSH D030342.

gnomAD v4.1: 22 of 1,614,054 alleles (0.0014%); highest among the groups gnomAD compares: African/African-American, 0.015%; no homozygotes.

Submissions (2):

CeGaT Center for Human Genetics Tuebingen
Classification: Likely benign. Last evaluated: 2026-01-01. Review status: criteria provided, single submitter. Criteria: CeGaT Center For Human Genetics Tuebingen Variant Classification Criteria Version 2. Collection method: clinical testing. Allele origin: germline. Affected: yes. Observed: 1 variant allele.
Comment: RORA: PP3, BP5, BS2

Ambry Genetics
Classification: Likely benign for Inborn genetic diseases. Last evaluated: 2024-11-26. Review status: criteria provided, single submitter. Criteria: Ambry Variant Classification Scheme 2023. Collection method: clinical testing. Allele origin: germline.